The following is an entry in ClinVar:

ClinVar aggregate classification (germline): Uncertain significance (1 of 4 stars; one submission).

Allele frequency attached by ClinVar (database versions not stated): gnomAD 0.00001; gnomAD exomes below 0.00001; ExAC 0.00001.

Submission:

Labcorp Genetics (formerly Invitae), Labcorp
Classification: Uncertain significance. Last evaluated: 2022-09-12. Review status: criteria provided, single submitter. Criteria: Invitae Variant Classification Sherloc (09022015). Collection method: clinical testing. Allele origin: germline.
Comment: ClinVar contains an entry for this variant (Variation ID: 1014392). In summary, the available evidence is currently insufficient to determine the role of this variant in disease. Therefore, it has been classified as a Variant of Uncertain Significance. Advanced modeling of protein sequence and biophysical properties (such as structural, functional, and spatial information, amino acid conservation, physicochemical variation, residue mobility, and thermodynamic stability) performed at Invitae indicates that this missense variant is not expected to disrupt IFT81 protein function. This variant has not been reported in the literature in individuals affected with IFT81-related conditions. This variant is present in population databases (rs758362637, gnomAD 0.001%). This sequence change replaces methionine, which is neutral and non-polar, with isoleucine, which is neutral and non-polar, at codon 449 of the IFT81 protein (p.Met449Ile).

NM_014055.4(IFT81):c.1347G>A (p.Met449Ile)

Gene: IFT81 (intraflagellar transport 81; plus strand). Cytogenetic location: 12q24.11.
Variant type: single nucleotide variant.
Coding change: c.1347G>A on transcript NM_014055.4 (MANE Select); coding-DNA position 1347, G replaced by A.
Protein change: p.Met449Ile; replaces methionine 449 with isoleucine.
Molecular consequence: missense variant. On other transcripts: non-coding transcript variant (4).
Genome position (GRCh38, 1-based): chr12:110,190,928, G>A. VCF-style: chr12-110190928-G-A. GRCh37 (hg19) VCF-style: chr12-110628733-G-A.
Other names: c.1347G>A, p.Met449Ile (NM_001143779.2); c.417G>A, p.Met139Ile (NM_001347947.2, NM_001347948.2); short protein forms M139I, M449I.
Identifiers: ClinVar variation 1014392 (VCV001014392.8), dbSNP rs758362637, ClinGen allele CA6783353.
Genomic context (GRCh38, chr12:110,190,928, plus strand): 5'-GAGCCAGCAAGATTTTGACATGTTTTGTGGCCTTTTTATTTTTTACTTATAGCAAACTAT[G>A]GAGGAGAAAAAGGGTATATCTGGATATAGTTACACCCAAGAAGAGCTAGAAAGAGTATCT-3'
Protein context (NP_054774.2, residues 439-459): HENIQQQLQT[Met449Ile]EEKKGISGYS